The following is an entry in ClinVar:

NM_001069.3(TUBB2A):c.146T>A (p.Val49Glu)

Gene: TUBB2A (tubulin beta 2A class IIa; minus strand). Cytogenetic location: 6p25.2.
Variant type: single nucleotide variant.
Coding change: c.146T>A on transcript NM_001069.3 (MANE Select); coding-DNA position 146, T replaced by A.
Protein change: p.Val49Glu; replaces valine 49 with glutamic acid.
Molecular consequence: missense variant. On other transcripts: 5 prime UTR variant (1).
Genome position (GRCh38, 1-based): chr6:3,156,064, A>T on the plus strand (T>A on the coding strand, the complement: TUBB2A is on the minus strand). VCF-style: chr6-3156064-A-T. GRCh37 (hg19) VCF-style: chr6-3156298-A-T.
Other names: c.-242T>A (NM_001310315.2); short protein forms V49E.
Identifiers: ClinVar variation 3906541 (VCV003906541.1).
Genomic context (GRCh38, chr6:3,156,064, plus strand): 5'-GAAAGCAAGGATTCCTGGGCACACACATCCCGCTACTCACCAGCAGCCTCATTGTAGTAC[A>T]CGTTGATTCTCTCCAGCTGCAAGTCACTGTCTCCATGGTAACTGCCTGTGGGGTCGATCC-3'
Protein context (NP_001060.1, residues 39-59): DSDLQLERIN[Val49Glu]YYNEAAGNKY

ClinVar aggregate classification (germline): Uncertain significance (1 of 4 stars; one submission).

Submission:

GeneDx
Classification: Uncertain significance. Last evaluated: 2024-12-17. Review status: criteria provided, single submitter. Criteria: GeneDx Variant Classification Process June 2021. Collection method: clinical testing. Allele origin: germline. Affected: yes.
Comment: Not observed at significant frequency in large population cohorts (gnomAD); In silico analysis supports that this missense variant has a deleterious effect on protein structure/function; Has not been previously published as pathogenic or benign to our knowledge